The following is an entry in ClinVar:

ClinVar aggregate classification (germline): Uncertain significance. Review status: criteria provided, multiple submitters, no conflicts (2 of 4 stars). 2 submissions from 2 submitters: Uncertain significance (2). Last evaluated 2024-09-02.

Conditions:
Brugada syndrome. Also called: Sudden unexpected nocturnal death syndrome; Sudden Unexplained Death Syndrome; Sudden Unexplained Nocturnal Death Syndrome (SUNDS); Sudden unexplained nocturnal death syndrome. Identifiers: Orphanet 130, MedGen C1142166, MONDO:0015263.
Cardiovascular phenotype. Identifiers: MedGen CN230736.

Allele frequency attached by ClinVar (database versions not stated): ExAC 0.00001; gnomAD 0.00001; gnomAD exomes 0.00001; TOPMed 0.00001.
gnomAD v4.1: 30 of 1,567,832 alleles (0.0019%); highest among the groups gnomAD compares: Non-Finnish European, 0.0024%; no homozygotes.

Submissions (2):

Labcorp Genetics (formerly Invitae), Labcorp
Classification: Uncertain significance for Brugada syndrome. Last evaluated: 2024-09-02. Review status: criteria provided, single submitter. Criteria: Invitae Variant Classification Sherloc (09022015). Collection method: clinical testing. Allele origin: germline.
Comment: This sequence change replaces lysine, which is basic and polar, with arginine, which is basic and polar, at codon 320 of the GPD1L protein (p.Lys320Arg). This variant is present in population databases (rs769123169, gnomAD 0.002%). This variant has not been reported in the literature in individuals affected with GPD1L-related conditions. ClinVar contains an entry for this variant (Variation ID: 1355478). An algorithm developed to predict the effect of missense changes on protein structure and function outputs the following: PolyPhen-2: "Benign". The arginine amino acid residue is found in multiple mammalian species, which suggests that this missense change does not adversely affect protein function. In summary, the available evidence is currently insufficient to determine the role of this variant in disease. Therefore, it has been classified as a Variant of Uncertain Significance.

Ambry Genetics
Classification: Uncertain significance for Cardiovascular phenotype. Last evaluated: 2024-07-20. Review status: criteria provided, single submitter. Criteria: Ambry Variant Classification Scheme 2023. Collection method: clinical testing. Allele origin: germline.
Comment: The c.959A>G variant (also known as p.K320R), located in coding exon 7 of the GPD1L gene, results from an A to G substitution at nucleotide position 959. The amino acid change results in lysine to arginine at codon 320, an amino acid with highly similar properties. This amino acid position is well conserved in available vertebrate species. In addition, this alteration is predicted to be tolerated by in silico analysis. The evidence for this gene-disease relationship is limited; therefore, the clinical significance of this alteration is unclear.

NM_015141.4(GPD1L):c.959A>G (p.Lys320Arg)

Gene: GPD1L (glycerol-3-phosphate dehydrogenase 1 like; plus strand). Cytogenetic location: 3p22.3.
Variant type: single nucleotide variant.
Coding change: c.959A>G on transcript NM_015141.4 (MANE Select); coding-DNA position 959, A replaced by G.
Protein change: p.Lys320Arg; replaces lysine 320 with arginine.
Molecular consequence: missense variant.
Genome position (GRCh38, 1-based): chr3:32,159,674, A>G. VCF-style: chr3-32159674-A-G. GRCh37 (hg19) VCF-style: chr3-32201166-A-G.
Other names: short protein forms K320R.
Identifiers: ClinVar variation 1355478 (VCV001355478.10), dbSNP rs769123169, ClinGen allele CA2296789.